The following is an entry in ClinVar:

NM_005060.4(RORC):c.40+537G>A

Gene: RORC (RAR related orphan receptor C; minus strand). Cytogenetic location: 1q21.3.
Variant type: single nucleotide variant.
Coding change: c.40+537G>A on transcript NM_005060.4 (MANE Select); 537 bases into the intron after coding-DNA position 40, G replaced by A.
Molecular consequence: intron variant.
Genome position (GRCh38, 1-based): chr1:151,831,188, C>T on the plus strand (G>A on the coding strand, the complement: RORC is on the minus strand). VCF-style: chr1-151831188-C-T. GRCh37 (hg19) VCF-style: chr1-151803664-C-T.
Identifiers: ClinVar variation 2628199 (VCV002628199.2), dbSNP rs72692783, ClinGen allele CA10781138.

ClinVar aggregate classification (germline): Benign (1 of 4 stars; one submission).

Allele frequency attached by ClinVar (database versions not stated): TOPMed 0.11187; gnomAD 0.11236; 1000 Genomes Project 30x 0.11352; 1000 Genomes Project 0.11562; gnomAD exomes 0.13279.
gnomAD v4.1: 152,055 of 1,168,072 alleles (13%); highest among the groups gnomAD compares: Admixed American, 26%; 10,944 homozygotes.

Submission:

Unidad de Genómica Garrahan, Hospital de Pediatría Garrahan
Classification: Benign. Last evaluated: 2023-11-12. Review status: criteria provided, single submitter. Criteria: ACMG Guidelines, 2015. Collection method: clinical testing. Allele origin: germline. Affected: no. Observed: 42 variant alleles.
Comment: This variant is classified as Benign based on local population frequency. This variant was detected in 44% of patients studied by a panel of primary immunodeficiencies. Number of patients: 42. Only high quality variants are reported.